The following is an entry in ClinVar:

ClinVar aggregate classification (germline): Benign/Likely benign. Review status: criteria provided, multiple submitters, no conflicts (2 of 4 stars). 8 submissions from 7 submitters: Benign (1); Likely benign (7). Last evaluated 2026-01-15.

Conditions:
Nephronophthisis. Also called: Juvenile Nephronophthisis. Identifiers: Orphanet 655, MedGen C0687120, MONDO:0019005, HP:0000090.
Senior-Loken syndrome 4 (SLSN4). Identifiers: Orphanet 3156, MedGen C1846979, MONDO:0011756, OMIM 606996.
Nephronophthisis 4 (NPHP4). Also called: NEPHRONOPHTHISIS 4, JUVENILE. Identifiers: Orphanet 655, MedGen C1847013, MONDO:0011752, OMIM 606966.

Allele frequency attached by ClinVar (database versions not stated): gnomAD exomes 0.00054 and 0.00094; 1000 Genomes Project 0.00060; 1000 Genomes Project 30x 0.00078; ExAC 0.00107; gnomAD 0.00016 and 0.00033; TOPMed 0.00028; ESP Exome Variant Server 0.00040.
gnomAD v4.1: 859 of 1,613,702 alleles (0.053%); highest among the groups gnomAD compares: South Asian, 0.51%; 6 homozygotes.

Submissions (8):

Labcorp Genetics (formerly Invitae), Labcorp
Classification: Benign for Nephronophthisis. Last evaluated: 2026-01-15. Review status: criteria provided, single submitter. Criteria: Invitae Variant Classification Sherloc (09022015). Collection method: clinical testing. Allele origin: germline.

Mayo Clinic Laboratories, Mayo Clinic
Classification: Likely benign. Last evaluated: 2025-11-24. Review status: criteria provided, single submitter. Criteria: ACMG Guidelines, 2015. Collection method: clinical testing. Allele origin: germline. Observed: 3 variant alleles.
Comment: BP4, BP7

Blueprint Genetics
Classification: Likely benign. Last evaluated: 2024-11-21. Review status: criteria provided, single submitter. Criteria: ACMG Guidelines, 2015. Collection method: clinical testing. Allele origin: germline.

Genetic Services Laboratory, University of Chicago
Classification: Likely benign. Last evaluated: 2018-05-24. Review status: criteria provided, single submitter. Criteria: ACMG Guidelines, 2015. Collection method: clinical testing. Allele origin: germline. Affected: no.

Illumina Laboratory Services, Illumina
Classification: Likely benign for Nephronophthisis 4. Last evaluated: 2018-01-13. Review status: criteria provided, single submitter. Criteria: ICSL Variant Classification Criteria 13 December 2019. Collection method: clinical testing. Allele origin: germline.
Comment: This variant was observed in the ICSL laboratory as part of a predisposition screen in an ostensibly healthy population. It had not been previously curated by ICSL or reported in the Human Gene Mutation Database (HGMD: prior to June 1st, 2018), and was therefore a candidate for classification through an automated scoring system. Utilizing variant allele frequency, disease prevalence and penetrance estimates, and inheritance mode, an automated score was calculated to assess if this variant is too frequent to cause the disease. Based on the score and internal cut-off values, a variant classified as likely benign is not then subjected to further curation. The score for this variant resulted in a classification of likely benign for this disease.

Illumina Laboratory Services, Illumina
Classification: Likely benign for Senior-Loken syndrome 4. Last evaluated: 2018-01-13. Review status: criteria provided, single submitter. Criteria: ICSL Variant Classification Criteria 13 December 2019. Collection method: clinical testing. Allele origin: germline.
Comment: the same text as in the submission from Illumina Laboratory Services, Illumina above.

Eurofins Ntd Llc (ga)
Classification: Likely benign. Last evaluated: 2017-05-04. Review status: criteria provided, single submitter. Criteria: EGL Classification Definitions 2015. Collection method: clinical testing. Allele origin: germline. Observed: 2 variant alleles, 2 heterozygotes.

Breakthrough Genomics
Classification: Likely benign. Review status: criteria provided, single submitter. Criteria: ACMG Guidelines, 2015. Collection method: not provided. Allele origin: germline. Inheritance: Autosomal recessive inheritance. Affected: yes.

NM_015102.5(NPHP4):c.3777G>A (p.Arg1259=)

Gene: NPHP4 (nephrocystin 4; minus strand). Cytogenetic location: 1p36.31.
Variant type: single nucleotide variant.
Coding change: c.3777G>A on transcript NM_015102.5 (MANE Select); coding-DNA position 3777, G replaced by A.
Protein change: p.Arg1259=; no amino-acid change (arginine 1259 retained).
Molecular consequence: synonymous variant. On other transcripts: non-coding transcript variant (1).
Genome position (GRCh38, 1-based): chr1:5,865,141, C>T on the plus strand (G>A on the coding strand, the complement: NPHP4 is on the minus strand). VCF-style: chr1-5865141-C-T. GRCh37 (hg19) VCF-style: chr1-5925201-C-T.
Other names: p.Arg1259=; c.2238G>A, p.Arg746= (NM_001291593.2); c.2241G>A, p.Arg747= (NM_001291594.2).
Identifiers: ClinVar variation 287096 (VCV000287096.25), dbSNP rs369566680, ClinGen allele CA553472.
Genomic context (GRCh38, chr1:5,865,141, plus strand): 5'-CAGCCCCCAGAGAGGCCGTACCTTCAGCTCCTGGGGATGAGAGGTGAAAGCTCTCACTTT[C>T]CTCACTGTCTGTGTCCCCCGAAGGACAAGGGACAGGCGGGTCAGCTGGCCTGCGACGCAG-3'
Protein context (NP_055917.1, residues 1249-1269): SLVLRGTQTV[Arg1259=]KVRAFTSHPQ